The following is an entry in ClinVar:

ClinVar aggregate classification (germline): Uncertain significance (1 of 4 stars; one submission).

Submission:

Dasa
Classification: Uncertain significance. Last evaluated: 2024-10-15. Review status: criteria provided, single submitter. Criteria: DASA Assertion Criteria. Collection method: clinical testing. Allele origin: germline.
Comment: NM_000726.5(CACNB4):c.80del (p.Thr27Lysfs*7) is a frameshift variant in CACNB4 predicted to alter the reading frame and introduce a premature termination codon. This variant is absent from population databases. The currently available literature and clinical evidence are not sufficient to establish a definitive association between this variant and the reported condition. Therefore, this variant is classified as a variant of uncertain significance.

NM_000726.5(CACNB4):c.80del (p.Thr27fs)

Gene: CACNB4 (calcium voltage-gated channel auxiliary subunit beta 4; minus strand). Cytogenetic location: 2q23.3.
Variant type: Deletion.
Coding change: c.80del on transcript NM_000726.5 (MANE Select); coding-DNA position 80, one base deleted (C; older notation c.80delC).
Protein change: p.Thr27fs; shifts the reading frame from threonine 27.
Molecular consequence: frameshift variant.
Genome position (GRCh38, 1-based): chr2:152,098,397, G deleted on the plus strand (C on the coding strand, the reverse complement: CACNB4 is on the minus strand). VCF-style (leftmost placement, unchanged base first): chr2-152098396-TG-T. GRCh37 (hg19) VCF-style: chr2-152954910-TG-T.
Other names: c.26del, p.Thr9fs (NM_001005746.4, NM_001330113.2); c.80delC, p.Thr27Lysfs (NM_001145798.3); short protein forms T27fs, T9fs.
Identifiers: ClinVar variation 4883886 (VCV004883886.2).